The following is an entry in ClinVar:

ClinVar aggregate classification (germline): Uncertain significance. Review status: criteria provided, multiple submitters, no conflicts (2 of 4 stars). 4 submissions from 4 submitters: Uncertain significance (4). Last evaluated 2025-11-24.

Conditions:
Acyl-CoA dehydrogenase 9 deficiency. Also called: Acyl-CoA dehydrogenase family, member 9, deficiency of; MITOCHONDRIAL COMPLEX I DEFICIENCY, NUCLEAR TYPE 20. Identifiers: Orphanet 99901, MedGen C4747517, MONDO:0012624, OMIM 611126.
Inborn genetic diseases. Identifiers: MedGen C0950123, MeSH D030342.

Allele frequency attached by ClinVar (database versions not stated): TOPMed 0.00002; gnomAD exomes 0.00004 and 0.00005; ExAC 0.00007; ESP Exome Variant Server 0.00008.

Submissions (4):

Ambry Genetics
Classification: Uncertain significance for Inborn genetic diseases. Last evaluated: 2025-11-24. Review status: criteria provided, single submitter. Criteria: Ambry Variant Classification Scheme 2023. Collection method: clinical testing. Allele origin: germline.
Comment: The c.907G>A (p.G303S) alteration is located in exon 9 (coding exon 9) of the ACAD9 gene. This alteration results from a G to A substitution at nucleotide position 907, causing the glycine (G) at amino acid position 303 to be replaced by a serine (S). Based on data from gnomAD, the A allele has an overall frequency of 0.004% (12/282820) total alleles studied. The highest observed frequency was 0.009% (11/129126) of European (non-Finnish) alleles. Based on insufficient or conflicting evidence, the clinical significance of this alteration remains unclear.

GeneDx
Classification: Uncertain significance. Last evaluated: 2025-03-20. Review status: criteria provided, single submitter. Criteria: GeneDx Variant Classification Process June 2021. Collection method: clinical testing. Allele origin: germline. Affected: yes.
Comment: Not observed at significant frequency in large population cohorts (gnomAD); In silico analysis supports that this missense variant has a deleterious effect on protein structure/function; Observed as heterozygous in three individuals with mitochondrial complex I deficiency; detailed clinical information was not provided (PMID: 21057504); This variant is associated with the following publications: (PMID: 21057504)

Labcorp Genetics (formerly Invitae), Labcorp
Classification: Uncertain significance. Last evaluated: 2022-07-15. Review status: criteria provided, single submitter. Criteria: Invitae Variant Classification Sherloc (09022015). Collection method: clinical testing. Allele origin: germline.
Comment: This sequence change replaces glycine, which is neutral and non-polar, with serine, which is neutral and polar, at codon 303 of the ACAD9 protein (p.Gly303Ser). This variant is present in population databases (rs143383023, gnomAD 0.01%). This missense change has been observed in individual(s) with mitochondrial complex I deficiency (PMID: 21057504). ClinVar contains an entry for this variant (Variation ID: 901180). Advanced modeling of protein sequence and biophysical properties (such as structural, functional, and spatial information, amino acid conservation, physicochemical variation, residue mobility, and thermodynamic stability) performed at Invitae indicates that this missense variant is expected to disrupt ACAD9 protein function. Algorithms developed to predict the effect of sequence changes on RNA splicing suggest that this variant may create or strengthen a splice site. In summary, the available evidence is currently insufficient to determine the role of this variant in disease. Therefore, it has been classified as a Variant of Uncertain Significance.

Illumina Laboratory Services, Illumina
Classification: Uncertain significance for Acyl-CoA dehydrogenase 9 deficiency. Last evaluated: 2018-03-16. Review status: criteria provided, single submitter. Criteria: ICSL Variant Classification Criteria 13 December 2019. Collection method: clinical testing. Allele origin: germline.
Comment: This variant was observed as part of a predisposition screen in an ostensibly healthy population. A literature search was performed for the gene, cDNA change, and amino acid change (where applicable). Publications were found based on this search. However, the evidence from the literature, in combination with allele frequency data from public databases where available, was not sufficient to rule this variant in or out of causing disease. Therefore, this variant is classified as a variant of unknown significance.

Literature cited by the submitters: PubMed 21057504 (cited by Labcorp Genetics (formerly Invitae), Labcorp and Illumina Laboratory Services, Illumina).

NM_014049.5(ACAD9):c.907G>A (p.Gly303Ser)

Genes: ACAD9 (acyl-CoA dehydrogenase family member 9; plus strand), LOC126806807 (BRD4-independent group 4 enhancer GRCh37_chr3:128620937-128622136; plus strand). Cytogenetic location: 3q21.3.
Variant type: single nucleotide variant.
Coding change: c.907G>A on transcript NM_014049.5 (MANE Select); coding-DNA position 907, G replaced by A.
Protein change: p.Gly303Ser; replaces glycine 303 with serine.
Molecular consequence: missense variant. On other transcripts: non-coding transcript variant (1).
Genome position (GRCh38, 1-based): chr3:128,902,577, G>A. VCF-style: chr3-128902577-G-A. GRCh37 (hg19) VCF-style: chr3-128621420-G-A.
Other names: short protein forms G303S.
Identifiers: ClinVar variation 901180 (VCV000901180.7), dbSNP rs143383023, ClinGen allele CA2601342.
Genomic context (GRCh38, chr3:128,902,577, plus strand): 5'-TTCAGGGCCCCTGGGCTCTCCCTGTTCTCCCTGCAGGTGGCCATGAACATCCTCAACAGC[G>A]GCCGGTTCAGCATGGGCAGCGTCGTGGCTGGGCTGCTCAAGAGATTGATTGGTAGGTAAG-3'
Protein context (NP_054768.2, residues 293-313): FKVAMNILNS[Gly303Ser]RFSMGSVVAG